The following is an entry in ClinVar:

ClinVar aggregate classification (germline): Likely pathogenic (1 of 4 stars; one submission).

Conditions:
Familial adenomatous polyposis 1 (FAP1). Also called: FAMILIAL ADENOMATOUS POLYPOSIS 1, ATTENUATED; POLYPOSIS, ADENOMATOUS INTESTINAL. Identifiers: MedGen C2713442, MONDO:0021056, OMIM 175100. Disease mechanism: loss of function.

Submission:

University of Washington Department of Laboratory Medicine, University of Washington
Classification: Likely pathogenic for Familial adenomatous polyposis 1. Last evaluated: 2026-01-26. Review status: criteria provided, single submitter. Criteria: Shirts BH et al. (Am J Hum Genet 2018). Collection method: clinical testing. Allele origin: de novo. Affected: yes.
Comment: We classify the APC c.646-1806T>G variant as likely pathogenic based on internal and published evidence. Tissue sequencing demonstrated a second somatic pathogenic APC variant in the same polyp, consistent with a “two-hit” model of tumorigenesis and supporting biallelic inactivation of APC (PS3_supporting). The use of tumor molecular features and somatic evidence to inform variant classification has been described in the literature (Shirts et al., 2018. Genet Med. PMID: 29887214). The c.646-1806T>G variant occurs deep within intron 6 of APC and has been shown to create a novel splice donor site, resulting in the inclusion of a pseudoexon in the APC transcript. This pseudoexon introduces a premature stop codon, predicted to lead to nonsense-mediated decay, consistent with a loss-of-function mechanism (Wai HA et al., 2020. Genet Med. PMID: 32079666). This alteration was seen in a family with classical FAP (PMID: 27683109). Variants that generate pseudoexons and truncate APC are well-established causes of familial adenomatous polyposis (FAP). This variant is absent from population databases, including gnomAD v4.0.0 (PM2_supporting). Computational splicing predictions support creation of the novel donor site and pseudoexon inclusion, consistent with a deleterious effect on APC transcript and protein (PP3). The phenotype, adenomatous polyps, is highly specific for pathogenic APC variants. Colorectal adenomas have a low background mutation rate, and APC is the most frequently mutated WNT pathway driver in this context, further supporting pathogenicity (PMID: 28607096; PMID: 27221540). The combination of somatic “second hit” evidence, deep intronic splice disruption, functional pseudoexon formation, and a highly specific polyposis phenotype collectively support a likely pathogenic classification for APC c.646-1806T>G.

Literature cited by the submitters: PubMed 32079666; PubMed 27683109; PubMed 28607096; PubMed 27221540.

NM_000038.6(APC):c.646-1806T>G

Gene: APC (APC regulator of Wnt signaling pathway; plus strand). Cytogenetic location: 5q22.2.
Variant type: single nucleotide variant.
Coding change: c.646-1806T>G on transcript NM_000038.6 (MANE Select); 1806 bases into the intron before coding-DNA position 646, T replaced by G.
Molecular consequence: intron variant.
Genome position (GRCh38, 1-based): chr5:112,790,640, T>G. VCF-style: chr5-112790640-T-G. GRCh37 (hg19) VCF-style: chr5-112126337-T-G.
Other names: c.-390-1806T>G (NM_001407470.1, NM_001407472.1, NM_001354906.2 and 1 more transcripts); c.646-1806T>G (NM_001407447.1, NM_001354895.2, NM_001407456.1 and 12 more transcripts); c.645+9737T>G (NM_001407452.1, NM_001407469.1, NM_001354899.2 and 1 more transcripts); c.676-1806T>G (NM_001407446.1, NM_001354897.2, NM_001354902.2); c.675+9737T>G (NM_001127511.3); c.469-1806T>G (NM_001407453.1, NM_001354900.2, NM_001354901.2 and 1 more transcripts); c.571-1806T>G (NM_001407451.1, NM_001354898.2, NM_001354904.2).
Identifiers: ClinVar variation 4813495 (VCV004813495.1).
Genomic context (GRCh38, chr5:112,790,640, plus strand): 5'-CGGCCTCCTGAAGTGCTGGGATTGCAGGCGTGAGCCACCGTGCCCGGCAGCGAACACAAC[T>G]TGAGTTTTCTGTTCTTTGTTTATCATAAGACTGGATGATAGCAGTAAACATTTTTACTAT-3'